The following is an entry in ClinVar:

NM_138387.4(G6PC3):c.580C>T (p.Arg194Trp)

Gene: G6PC3 (glucose-6-phosphatase catalytic subunit 3; plus strand). Cytogenetic location: 17q21.31.
Variant type: single nucleotide variant.
Coding change: c.580C>T on transcript NM_138387.4 (MANE Select); coding-DNA position 580, C replaced by T.
Protein change: p.Arg194Trp; replaces arginine 194 with tryptophan.
Molecular consequence: missense variant.
Genome position (GRCh38, 1-based): chr17:44,075,354, C>T. VCF-style: chr17-44075354-C-T. GRCh37 (hg19) VCF-style: chr17-42152722-C-T.
Other names: c.461C>T, p.Ala154Val (NM_001319945.2); c.235C>T, p.Arg79Trp (NM_001384165.1, NM_001384166.1, NM_001384167.1 and 1 more transcripts); short protein forms R194W, A154V, R79W.
Identifiers: ClinVar variation 569633 (VCV000569633.10), dbSNP rs748638373, ClinGen allele CA8596090.

ClinVar aggregate classification (germline): Uncertain significance. Review status: criteria provided, multiple submitters, no conflicts (2 of 4 stars). 2 submissions from 2 submitters: Uncertain significance (2). Last evaluated 2025-03-20.

Conditions:
Inborn genetic diseases. Identifiers: MedGen C0950123, MeSH D030342.
Autosomal recessive severe congenital neutropenia due to G6PC3 deficiency. Also called: NEUTROPENIA, SEVERE CONGENITAL, 4, AUTOSOMAL RECESSIVE; G6PC3 Deficiency. Identifiers: Orphanet 331176, MedGen C2751630, MONDO:0012930, OMIM 612541.

Allele frequency attached by ClinVar (database versions not stated): gnomAD exomes 0.00001; TOPMed below 0.00001; ExAC 0.00001.

Submissions (2):

Ambry Genetics
Classification: Uncertain significance for Inborn genetic diseases. Last evaluated: 2025-03-20. Review status: criteria provided, single submitter. Criteria: Ambry Variant Classification Scheme 2023. Collection method: clinical testing. Allele origin: germline.

Labcorp Genetics (formerly Invitae), Labcorp
Classification: Uncertain significance for Autosomal recessive severe congenital neutropenia due to G6PC3 deficiency. Last evaluated: 2023-10-23. Review status: criteria provided, single submitter. Criteria: Invitae Variant Classification Sherloc (09022015). Collection method: clinical testing. Allele origin: germline.
Comment: This sequence change replaces arginine, which is basic and polar, with tryptophan, which is neutral and slightly polar, at codon 194 of the G6PC3 protein (p.Arg194Trp). This variant is present in population databases (rs748638373, gnomAD 0.003%). This variant has not been reported in the literature in individuals affected with G6PC3-related conditions. ClinVar contains an entry for this variant (Variation ID: 569633). Advanced modeling of protein sequence and biophysical properties (such as structural, functional, and spatial information, amino acid conservation, physicochemical variation, residue mobility, and thermodynamic stability) performed at Invitae indicates that this missense variant is not expected to disrupt G6PC3 protein function. In summary, the available evidence is currently insufficient to determine the role of this variant in disease. Therefore, it has been classified as a Variant of Uncertain Significance.